The following is an entry in ClinVar:

ClinVar aggregate classification (germline): Uncertain significance (1 of 4 stars; one submission).

Conditions:
Cardiovascular phenotype. Identifiers: MedGen CN230736.

Submission:

Ambry Genetics
Classification: Uncertain significance for Cardiovascular phenotype. Last evaluated: 2025-05-18. Review status: criteria provided, single submitter. Criteria: Ambry Variant Classification Scheme 2023. Collection method: clinical testing. Allele origin: germline.
Comment: The p.T3250I variant (also known as c.9749C>T), located in coding exon 2 of the ZNF469 gene, results from a C to T substitution at nucleotide position 9749. The threonine at codon 3250 is replaced by isoleucine, an amino acid with similar properties. This amino acid position is conserved. In addition, this alteration is predicted to be tolerated by in silico analysis. Based on the available evidence, the clinical significance of this variant remains unclear.

NM_001367624.2(ZNF469):c.9833C>T (p.Thr3278Ile)

Gene: ZNF469 (zinc finger protein 469; plus strand). Cytogenetic location: 16q24.2.
Variant type: single nucleotide variant.
Coding change: c.9833C>T on transcript NM_001367624.2 (MANE Select); coding-DNA position 9833, C replaced by T.
Protein change: p.Thr3278Ile; replaces threonine 3278 with isoleucine.
Molecular consequence: missense variant.
Genome position (GRCh38, 1-based): chr16:88,437,303, C>T. VCF-style: chr16-88437303-C-T. GRCh37 (hg19) VCF-style: chr16-88503711-C-T.
Other names: NM_001127464.1:c.9749C>T; short protein forms T3278I.
Identifiers: ClinVar variation 3987349 (VCV003987349.1).
Genomic context (GRCh38, chr16:88,437,303, plus strand): 5'-AAGAGGGAGAAGCCAAGAAAGACAGCCCGGGCGAGAGGGCGAAACCCCGGGCACGCAGCA[C>T]CCCCAGCAACCCAGACGGGGCCGCGACCCCAGACAGCGCCTCTGCCACCGCCCTGGCTGA-3'
Protein context (NP_001354553.1, residues 3268-3288): GERAKPRARS[Thr3278Ile]PSNPDGAATP